The following is an entry in ClinVar:

NM_001105206.3(LAMA4):c.1078-195T>A

Gene: LAMA4 (laminin subunit alpha 4; minus strand). Cytogenetic location: 6q21.
Variant type: single nucleotide variant.
Coding change: c.1078-195T>A on transcript NM_001105206.3 (MANE Select); 195 bases into the intron before coding-DNA position 1078, T replaced by A.
Molecular consequence: intron variant.
Genome position (GRCh38, 1-based): chr6:112,178,427, A>T on the plus strand (T>A on the coding strand, the complement: LAMA4 is on the minus strand). VCF-style: chr6-112178427-A-T. GRCh37 (hg19) VCF-style: chr6-112499629-A-T.
Other names: c.1057-195T>A (NM_002290.5, NM_001105207.3).
Identifiers: ClinVar variation 674537 (VCV000674537.1), dbSNP rs73766949, ClinGen allele CA144878151.

ClinVar aggregate classification (germline): Benign (1 of 4 stars; one submission).

Allele frequency attached by ClinVar (database versions not stated): gnomAD exomes 0.01366; gnomAD 0.04144; TOPMed 0.04600; 1000 Genomes Project 0.04952; 1000 Genomes Project 30x 0.05403.
gnomAD v4.1: 12,472 of 574,202 alleles (2.2%); highest among the groups gnomAD compares: African/African-American, 12%; 485 homozygotes.

Submission:

GeneDx
Classification: Benign. Last evaluated: 2018-06-18. Review status: criteria provided, single submitter. Criteria: GeneDx Variant Classification (06012015). Collection method: clinical testing. Allele origin: germline. Affected: yes.
Comment: This variant is considered likely benign or benign based on one or more of the following criteria: it is a conservative change, it occurs at a poorly conserved position in the protein, it is predicted to be benign by multiple in silico algorithms, and/or has population frequency not consistent with disease.